The following is an entry in ClinVar:

NM_145200.5(CABP4):c.595A>G (p.Arg199Gly)

Gene: CABP4 (calcium binding protein 4; plus strand). Cytogenetic location: 11q13.2.
Variant type: single nucleotide variant.
Coding change: c.595A>G on transcript NM_145200.5 (MANE Select); coding-DNA position 595, A replaced by G.
Protein change: p.Arg199Gly; replaces arginine 199 with glycine.
Molecular consequence: missense variant. On other transcripts: non-coding transcript variant (1).
Genome position (GRCh38, 1-based): chr11:67,457,626, A>G. VCF-style: chr11-67457626-A-G. GRCh37 (hg19) VCF-style: chr11-67225097-A-G.
Other names: c.280A>G, p.Arg94Gly (NM_001300895.3, NM_001300896.3, NM_001379183.1); c.595A>G (NM_145200.3); short protein forms R199G, R94G.
Identifiers: ClinVar variation 2058763 (VCV002058763.5), dbSNP rs1370017374, ClinGen allele CA381531466.

ClinVar aggregate classification (germline): Uncertain significance. Review status: criteria provided, multiple submitters, no conflicts (2 of 4 stars). 2 submissions from 2 submitters: Uncertain significance (2). Last evaluated 2025-06-12.

Conditions:
Inborn genetic diseases. Identifiers: MedGen C0950123, MeSH D030342.

Allele frequency attached by ClinVar (database versions not stated): gnomAD exomes 0.00002.
gnomAD v4.1: 22 of 1,605,754 alleles (0.0014%); highest among the groups gnomAD compares: Non-Finnish European, 0.0019%; no homozygotes.

Submissions (2):

Ambry Genetics
Classification: Uncertain significance for Inborn genetic diseases. Last evaluated: 2025-06-12. Review status: criteria provided, single submitter. Criteria: Ambry Variant Classification Scheme 2023. Collection method: clinical testing. Allele origin: germline.

Labcorp Genetics (formerly Invitae), Labcorp
Classification: Uncertain significance. Last evaluated: 2024-09-10. Review status: criteria provided, single submitter. Criteria: Invitae Variant Classification Sherloc (09022015). Collection method: clinical testing. Allele origin: germline.
Comment: This sequence change replaces arginine, which is basic and polar, with glycine, which is neutral and non-polar, at codon 199 of the CABP4 protein (p.Arg199Gly). The frequency data for this variant in the population databases is considered unreliable, as metrics indicate poor data quality at this position in the gnomAD database. This variant has not been reported in the literature in individuals affected with CABP4-related conditions. ClinVar contains an entry for this variant (Variation ID: 2058763). Invitae Evidence Modeling of protein sequence and biophysical properties (such as structural, functional, and spatial information, amino acid conservation, physicochemical variation, residue mobility, and thermodynamic stability) indicates that this missense variant is not expected to disrupt CABP4 protein function with a negative predictive value of 80%. In summary, the available evidence is currently insufficient to determine the role of this variant in disease. Therefore, it has been classified as a Variant of Uncertain Significance.